The following is an entry in ClinVar:

NM_001101677.2(SOHLH1):c.537C>T (p.Pro179=)

Gene: SOHLH1 (spermatogenesis and oogenesis specific basic helix-loop-helix 1; minus strand). Cytogenetic location: 9q34.3.
Variant type: single nucleotide variant.
Coding change: c.537C>T on transcript NM_001101677.2 (MANE Select); coding-DNA position 537, C replaced by T.
Protein change: p.Pro179=; no amino-acid change (proline 179 retained).
Molecular consequence: synonymous variant.
Genome position (GRCh38, 1-based): chr9:135,696,736, G>A on the plus strand (C>T on the coding strand, the complement: SOHLH1 is on the minus strand). VCF-style: chr9-135696736-G-A. GRCh37 (hg19) VCF-style: chr9-138588582-G-A.
Other names: c.537C>T, p.Pro179= (NM_001012415.3).
Identifiers: ClinVar variation 2499110 (VCV002499110.28), dbSNP rs149577842, ClinGen allele CA5325882.
Genomic context (GRCh38, chr9:135,696,736, plus strand): 5'-GCCCAGGGACGTGCAGCTCGCGGGGTCCCACTGCCTGGAGGACGCAAGGATGTGCGGCAC[G>A]GGCTCTGGGCTGGCCGACGCTGGATCCAGGGACCAAGGACTTTCCAGAAACGCCTTCACA-3'
Protein context (NP_001095147.2, residues 169-189): SLDPASASPE[Pro179=]VPHILASSRQ

ClinVar aggregate classification (germline): Likely benign (1 of 4 stars; one submission).

Allele frequency attached by ClinVar (database versions not stated): 1000 Genomes Project 0.00020; 1000 Genomes Project 30x 0.00031; TOPMed 0.00060; ExAC 0.00062; ESP Exome Variant Server 0.00085.
gnomAD v4.1: 1,203 of 1,613,060 alleles (0.075%); highest among the groups gnomAD compares: Non-Finnish European, 0.094%; 2 homozygotes.

Submission:

CeGaT Center for Human Genetics Tuebingen
Classification: Likely benign. Last evaluated: 2023-02-01. Review status: criteria provided, single submitter. Criteria: CeGaT Center For Human Genetics Tuebingen Variant Classification Criteria Version 2. Collection method: clinical testing. Allele origin: germline. Affected: yes. Observed: 1 variant allele.
Comment: SOHLH1: BP4, BP7